The following is an entry in ClinVar:

NM_000188.3(HK1):c.1758G>A (p.Leu586=)

Gene: HK1 (hexokinase 1; plus strand). Cytogenetic location: 10q22.1.
Variant type: single nucleotide variant.
Coding change: c.1758G>A on transcript NM_000188.3 (MANE Select); coding-DNA position 1758, G replaced by A.
Protein change: p.Leu586=; no amino-acid change (leucine 586 retained).
Molecular consequence: synonymous variant.
Genome position (GRCh38, 1-based): chr10:69,384,834, G>A. VCF-style: chr10-69384834-G-A. GRCh37 (hg19) VCF-style: chr10-71144590-G-A.
Other names: c.1770G>A, p.Leu590= (NM_001322364.2, NM_001358263.1, NM_033497.3 and 1 more transcripts); c.1863G>A, p.Leu621= (NM_001322365.2); c.1674G>A, p.Leu558= (NM_001322366.1); c.1662G>A, p.Leu554= (NM_001322367.1); c.1755G>A, p.Leu585= (NM_033496.3); c.1722G>A, p.Leu574= (NM_033500.2).
Identifiers: ClinVar variation 1966669 (VCV001966669.6), dbSNP rs1839557281, ClinGen allele CA470028107.

ClinVar aggregate classification (germline): Conflicting classifications of pathogenicity. Review status: criteria provided, conflicting classifications (1 of 4 stars). 2 submissions from 2 submitters: Uncertain significance (1); Likely benign (1). Last evaluated 2024-10-09.

Allele frequency attached by ClinVar (database versions not stated): gnomAD exomes 0.00001; TOPMed 0.00001.
gnomAD v4.1: 3 of 1,614,088 alleles (0.00019%); highest among the groups gnomAD compares: Non-Finnish European, 0.00025%; no homozygotes.

Submissions (2):

Blueprint Genetics
Classification: Likely benign. Last evaluated: 2024-10-09. Review status: criteria provided, single submitter. Criteria: ACMG Guidelines, 2015. Collection method: clinical testing. Allele origin: germline.

Labcorp Genetics (formerly Invitae), Labcorp
Classification: Uncertain significance. Last evaluated: 2022-08-09. Review status: criteria provided, single submitter. Criteria: Invitae Variant Classification Sherloc (09022015). Collection method: clinical testing. Allele origin: germline.
Comment: In summary, the available evidence is currently insufficient to determine the role of this variant in disease. Therefore, it has been classified as a Variant of Uncertain Significance. Algorithms developed to predict the effect of sequence changes on RNA splicing suggest that this variant may create or strengthen a splice site. This variant has not been reported in the literature in individuals affected with HK1-related conditions. This variant is not present in population databases (gnomAD no frequency). This sequence change affects codon 586 of the HK1 mRNA. It is a 'silent' change, meaning that it does not change the encoded amino acid sequence of the HK1 protein.